The following is an entry in ClinVar:

NM_000521.4(HEXB):c.604_605insTTTT (p.His202fs)

Gene: HEXB (hexosaminidase subunit beta; plus strand). Cytogenetic location: 5q13.3.
Variant type: Insertion.
Coding change: c.604_605insTTTT on transcript NM_000521.4 (MANE Select); coding-DNA positions 604 to 605, TTTT inserted.
Protein change: p.His202fs; shifts the reading frame from histidine 202.
Molecular consequence: frameshift variant. On other transcripts: 5 prime UTR variant (1).
Genome position: GRCh38 VCF-style: chr5-74697041-C-CTTTT. GRCh37 (hg19) VCF-style: chr5-73992866-C-CTTTT.
Other names: c.-72_-71insTTTT (NM_001292004.2); short protein forms H202fs.
Identifiers: ClinVar variation 5011448 (VCV005011448.1).

ClinVar aggregate classification (germline): Pathogenic (1 of 4 stars; one submission).

Conditions:
Sandhoff disease. Also called: GM2-GANGLIOSIDOSIS, TYPE II; HEXOSAMINIDASES A AND B DEFICIENCY; Beta-hexosaminidase-beta-subunit deficiency; GM2 gangliosidosis, type 2; Total hexosaminidase deficiency; Sandhoff-Jatzkewitz-Pilz disease. Identifiers: Orphanet 796, MedGen C0036161, MONDO:0010006, OMIM 268800.

Submission:

Myriad Genetics, Inc.
Classification: Pathogenic for Sandhoff disease. Last evaluated: 2023-08-22. Review status: criteria provided, single submitter. Criteria: Myriad Autosomal Dominant, Autosomal Recessive and X-Linked Classification Criteria (2023). Collection method: clinical testing. Allele origin: unknown.
Comment: NM_000521.3(HEXB):c.604_605insTTTT(H202Lfs*8) is expected to be pathogenic in the context of Sandhoff disease. This variant is predicted to lead to an abnormal or absent protein product due to the creation of a premature termination codon in HEXB, a gene where loss-of-function variants are known to be pathogenic. Please note: this variant was assessed in the context of healthy population screening.